The following is an entry in ClinVar:

ClinVar aggregate classification (germline): Uncertain significance (1 of 4 stars; one submission).

Conditions:
Retinitis pigmentosa 31 (RP31). Identifiers: Orphanet 791, MedGen C1835923, MONDO:0012367, OMIM 609923.

Submission:

ARUP Laboratories, Molecular Genetics and Genomics, ARUP Laboratories
Classification: Uncertain significance for Retinitis pigmentosa 31. Last evaluated: 2018-07-09. Review status: criteria provided, single submitter. Criteria: ARUP Molecular Germline Variant Investigation Process. Collection method: clinical testing. Allele origin: germline.
Comment: The TOPORS c.2006G>A;p.Arg669Lys variant has not been described in the medical literature, in gene-specific databases, or in the ClinVar database. The variant is not listed in the dbSNP variant database or in the general population-based databases. The amino acid at this position is moderately conserved across species and computational algorithms (AlignGVGD, SIFT, MutationTaster) predict this variant is tolerated. Considering available information, there is insufficient evidence to classify the variant at this time. Pathogenic TOPORS variants are causative for autosomal dominant retinitis pigmentosa (OMIM#609507).

NM_005802.5(TOPORS):c.2006G>A (p.Arg669Lys)

Gene: TOPORS (TOP1 binding arginine/serine rich protein, E3 ubiquitin ligase; minus strand). Cytogenetic location: 9p21.1.
Variant type: single nucleotide variant.
Coding change: c.2006G>A on transcript NM_005802.5 (MANE Select); coding-DNA position 2006, G replaced by A.
Protein change: p.Arg669Lys; replaces arginine 669 with lysine.
Molecular consequence: missense variant.
Genome position (GRCh38, 1-based): chr9:32,542,519, C>T on the plus strand (G>A on the coding strand, the complement: TOPORS is on the minus strand). VCF-style: chr9-32542519-C-T. GRCh37 (hg19) VCF-style: chr9-32542517-C-T.
Other names: c.1811G>A, p.Arg604Lys (NM_001195622.2); short protein forms R669K, R604K.
Identifiers: ClinVar variation 618438 (VCV000618438.9), dbSNP rs1563983554, ClinGen allele CA373166810.
Genomic context (GRCh38, chr9:32,542,519, plus strand): 5'-CGATCTCTATTTCTGCTCCGTGATCTTCTTTTACCATGATCACTGCTACGAGACCTTGAT[C>T]TGCTTGTGCTTTCACTACTTAGAGACAGAGTTTGGCTTCTTCTGGACCAACTGCTATCTC-3'
Protein context (NP_005793.2, residues 659-679): TLSLSSESTS[Arg669Lys]SRSRSSDHGK